The following is an entry in ClinVar:

ClinVar aggregate classification (germline): Uncertain significance (1 of 4 stars; one submission).

Conditions:
Granulomatous disease, chronic, X-linked. Also called: CYTOCHROME b-NEGATIVE GRANULOMATOUS DISEASE, CHRONIC, X-LINKED; GRANULOMATOUS DISEASE, CHRONIC, X-LINKED, SOMATIC MOSAIC. Identifiers: Orphanet 379, MedGen C1844376, MONDO:0010600, OMIM 306400.

Submission:

Labcorp Genetics (formerly Invitae), Labcorp
Classification: Uncertain significance for Granulomatous disease, chronic, X-linked. Last evaluated: 2023-07-26. Review status: criteria provided, single submitter. Criteria: Invitae Variant Classification Sherloc (09022015). Collection method: clinical testing. Allele origin: germline.
Comment: In summary, the available evidence is currently insufficient to determine the role of this variant in disease. Therefore, it has been classified as a Variant of Uncertain Significance. Advanced modeling of protein sequence and biophysical properties (such as structural, functional, and spatial information, amino acid conservation, physicochemical variation, residue mobility, and thermodynamic stability) performed at Invitae indicates that this missense variant is not expected to disrupt CYBB protein function. This variant has not been reported in the literature in individuals affected with CYBB-related conditions. This variant is not present in population databases (gnomAD no frequency). This sequence change replaces alanine, which is neutral and non-polar, with threonine, which is neutral and polar, at codon 471 of the CYBB protein (p.Ala471Thr).

NM_000397.4(CYBB):c.1411G>A (p.Ala471Thr)

Gene: CYBB (cytochrome b-245 beta chain; plus strand). Cytogenetic location: Xp11.4.
Variant type: single nucleotide variant.
Coding change: c.1411G>A on transcript NM_000397.4 (MANE Select); coding-DNA position 1411, G replaced by A.
Protein change: p.Ala471Thr; replaces alanine 471 with threonine.
Molecular consequence: missense variant.
Genome position (GRCh38, 1-based): chrX:37,806,483, G>A. VCF-style: chrX-37806483-G-A. GRCh37 (hg19) VCF-style: chrX-37665736-G-A.
Other names: short protein forms A471T.
Identifiers: ClinVar variation 2786083 (VCV002786083.3), dbSNP rs2519211142, ClinGen allele CA412978199.